The following is an entry in ClinVar:

NM_153240.5(NPHP3):c.1945A>C (p.Ile649Leu)

Genes: NPHP3 (nephrocystin 3; minus strand), NPHP3-ACAD11 (NPHP3-ACAD11 readthrough (NMD candidate); minus strand). Cytogenetic location: 3q22.1.
Variant type: single nucleotide variant.
Coding change: c.1945A>C on transcript NM_153240.5 (MANE Select); coding-DNA position 1945, A replaced by C.
Protein change: p.Ile649Leu; replaces isoleucine 649 with leucine.
Molecular consequence: missense variant.
Genome position (GRCh38, 1-based): chr3:132,699,393, T>G on the plus strand (A>C on the coding strand, the complement: NPHP3 is on the minus strand). VCF-style: chr3-132699393-T-G. GRCh37 (hg19) VCF-style: chr3-132418237-T-G.
Other names: short protein forms I649L.
Identifiers: ClinVar variation 1356775 (VCV001356775.8), dbSNP rs1213749947, ClinGen allele CA354582449.

ClinVar aggregate classification (germline): Uncertain significance (1 of 4 stars; one submission).

Conditions:
Nephronophthisis. Also called: Juvenile Nephronophthisis. Identifiers: Orphanet 655, MedGen C0687120, MONDO:0019005, HP:0000090.

Submission:

Labcorp Genetics (formerly Invitae), Labcorp
Classification: Uncertain significance for Nephronophthisis. Last evaluated: 2022-02-10. Review status: criteria provided, single submitter. Criteria: Invitae Variant Classification Sherloc (09022015). Collection method: clinical testing. Allele origin: germline.
Comment: In summary, the available evidence is currently insufficient to determine the role of this variant in disease. Therefore, it has been classified as a Variant of Uncertain Significance. Algorithms developed to predict the effect of missense changes on protein structure and function are either unavailable or do not agree on the potential impact of this missense change (SIFT: "Deleterious"; PolyPhen-2: "Benign"; Align-GVGD: "Class C0"). This variant has not been reported in the literature in individuals affected with NPHP3-related conditions. This variant is not present in population databases (gnomAD no frequency). This sequence change replaces isoleucine, which is neutral and non-polar, with leucine, which is neutral and non-polar, at codon 649 of the NPHP3 protein (p.Ile649Leu).